The following is an entry in ClinVar:

NM_020745.4(AARS2):c.1240C>T (p.Arg414Trp)

Gene: AARS2 (alanyl-tRNA synthetase 2, mitochondrial; minus strand). Cytogenetic location: 6p21.1.
Variant type: single nucleotide variant.
Coding change: c.1240C>T on transcript NM_020745.4 (MANE Select); coding-DNA position 1240, C replaced by T.
Protein change: p.Arg414Trp; replaces arginine 414 with tryptophan.
Molecular consequence: missense variant.
Genome position (GRCh38, 1-based): chr6:44,306,340, G>A on the plus strand (C>T on the coding strand, the complement: AARS2 is on the minus strand). VCF-style: chr6-44306340-G-A. GRCh37 (hg19) VCF-style: chr6-44274077-G-A.
Other names: short protein forms R414W.
Identifiers: ClinVar variation 4975158 (VCV004975158.1).
Genomic context (GRCh38, chr6:44,306,340, plus strand): 5'-CAGGGAACATATCTGAAGGCCCCAGGGTCCTCAGAGTCCGATCAATGATCCGCCTACCCC[G>A]CTCCAGGGAGGCCAGGAAGGCTGCCTCGTCCTCTGACACCAGGTTGGCGATCTGAACCAG-3'
Protein context (NP_065796.2, residues 404-424): DEAAFLASLE[Arg414Trp]GRRIIDRTLR

ClinVar aggregate classification (germline): Uncertain significance (1 of 4 stars; one submission).

Submission:

GeneDx
Classification: Uncertain significance. Last evaluated: 2026-03-17. Review status: criteria provided, single submitter. Criteria: GeneDx Variant Classification Process June 2021. Collection method: clinical testing. Allele origin: germline.
Comment: Not observed at significant frequency in large population cohorts (gnomAD); In silico analysis supports that this missense variant has a deleterious effect on protein structure/function; Has not been previously published as pathogenic or benign to our knowledge